The following is an entry in ClinVar:

ClinVar aggregate classification (germline): Uncertain significance (1 of 4 stars; one submission).

gnomAD v4.1: 1 of 1,611,802 alleles (0.000062%); no homozygotes.

Submission:

Ambry Genetics
Classification: Uncertain significance. Last evaluated: 2024-11-09. Review status: criteria provided, single submitter. Criteria: Ambry Variant Classification Scheme 2023. Collection method: clinical testing. Allele origin: germline.
Comment: The p.V340A variant (also known as c.1019T>C), located in coding exon 7 of the POLQ gene, results from a T to C substitution at nucleotide position 1019. The valine at codon 340 is replaced by alanine, an amino acid with similar properties. This amino acid position is conserved. In addition, the in silico prediction for this alteration is inconclusive. Based on the available evidence, the clinical significance of this variant remains unclear.

NM_199420.4(POLQ):c.1019T>C (p.Val340Ala)

Gene: POLQ (DNA polymerase theta; minus strand). Cytogenetic location: 3q13.33.
Variant type: single nucleotide variant.
Coding change: c.1019T>C on transcript NM_199420.4 (MANE Select); coding-DNA position 1019, T replaced by C.
Protein change: p.Val340Ala; replaces valine 340 with alanine.
Molecular consequence: missense variant.
Genome position (GRCh38, 1-based): chr3:121,529,734, A>G on the plus strand (T>C on the coding strand, the complement: POLQ is on the minus strand). VCF-style: chr3-121529734-A-G. GRCh37 (hg19) VCF-style: chr3-121248581-A-G.
Other names: short protein forms V340A.
Identifiers: ClinVar variation 3422653 (VCV003422653.1).
Genomic context (GRCh38, chr3:121,529,734, plus strand): 5'-TCTCGAGCAATGATATCTGCCAGCTTCTCACACCATTTCTTTGATGGACAAAAAAGTAAT[A>G]CTGAATGGTTATCACAAATCGTCTCATAACATAAACTAACAACATGGTCCTCATCTCCCT-3'
Protein context (NP_955452.3, residues 330-350): CYETICDNHS[Val340Ala]LLFCPSKKWC